The following is an entry in ClinVar:

ClinVar aggregate classification (germline): Uncertain significance (1 of 4 stars; one submission).

gnomAD v4.1: 152 of 1,614,046 alleles (0.0094%); highest among the groups gnomAD compares: Admixed American, 0.047%; no homozygotes.

Submission:

Women's Health and Genetics/Laboratory Corporation of America, LabCorp
Classification: Uncertain significance. Last evaluated: 2026-03-24. Review status: criteria provided, single submitter. Criteria: LabCorp Variant Classification Summary - May 2015. Collection method: clinical testing. Allele origin: germline.
Comment: Variant summary: KIF5C c.2828G>A (p.Arg943Gln) results in a conservative amino acid change in the encoded protein sequence. Algorithms developed to predict the effect of missense changes on protein structure and function are either unavailable or do not agree on the potential impact of this missense change. The variant allele was found at a frequency of 3.2e-05 in 249258 control chromosomes. The available data on variant occurrences in the general population are insufficient to allow any conclusion about variant significance. To our knowledge, no occurrence of c.2828G>A in individuals affected with KIF5C-related conditions and no experimental evidence demonstrating its impact on protein function have been reported. No submitters have cited clinical-significance assessments for this variant to ClinVar. Based on the evidence outlined above, the variant was classified as uncertain significance.

NM_004522.3(KIF5C):c.2828G>A (p.Arg943Gln)

Gene: KIF5C (kinesin family member 5C; plus strand). Cytogenetic location: 2q23.2.
Variant type: single nucleotide variant.
Coding change: c.2828G>A on transcript NM_004522.3 (MANE Select); coding-DNA position 2828, G replaced by A.
Protein change: p.Arg943Gln; replaces arginine 943 with glutamine.
Molecular consequence: missense variant. On other transcripts: non-coding transcript variant (1).
Genome position (GRCh38, 1-based): chr2:149,011,630, G>A. VCF-style: chr2-149011630-G-A. GRCh37 (hg19) VCF-style: chr2-149868144-G-A.
Other names: short protein forms R943Q.
Identifiers: ClinVar variation 4847717 (VCV004847717.1).